The following is an entry in ClinVar:

ClinVar aggregate classification (germline): Uncertain significance (1 of 4 stars; one submission).

Conditions:
Infantile-onset X-linked spinal muscular atrophy. Also called: SPINAL MUSCULAR ATROPHY, X-LINKED LETHAL INFANTILE; AMC, DISTAL, X-LINKED; ARTHROGRYPOSIS, X-LINKED, TYPE I; Spinal Muscular Atrophy, X-Linked Infantile; Spinal muscular atrophy, X-linked 2. Identifiers: Orphanet 1145, MedGen C1844934, MONDO:0010532, OMIM 301830.

Allele frequency attached by ClinVar (database versions not stated): ExAC below 0.00001.

Submission:

Labcorp Genetics (formerly Invitae), Labcorp
Classification: Uncertain significance for Infantile-onset X-linked spinal muscular atrophy. Last evaluated: 2019-05-19. Review status: criteria provided, single submitter. Criteria: Invitae Variant Classification Sherloc (09022015). Collection method: clinical testing. Allele origin: germline.
Comment: This variant has not been reported in the literature in individuals with UBA1-related conditions. Algorithms developed to predict the effect of missense changes on protein structure and function are either unavailable or do not agree on the potential impact of this missense change (SIFT: "Tolerated"; PolyPhen-2: "Probably Damaging"; Align-GVGD: "Class C0"). In summary, the available evidence is currently insufficient to determine the role of this variant in disease. Therefore, it has been classified as a Variant of Uncertain Significance. The frequency data for this variant in the population databases is considered unreliable, as metrics indicate poor data quality at this position in the ExAC database. This sequence change replaces leucine with methionine at codon 885 of the UBA1 protein (p.Leu885Met). The leucine residue is moderately conserved and there is a small physicochemical difference between leucine and methionine.

NM_003334.4(UBA1):c.2653C>A (p.Leu885Met)

Gene: UBA1 (ubiquitin like modifier activating enzyme 1; plus strand). Cytogenetic location: Xp11.3.
Variant type: single nucleotide variant.
Coding change: c.2653C>A on transcript NM_003334.4 (MANE Select); coding-DNA position 2653, C replaced by A.
Protein change: p.Leu885Met; replaces leucine 885 with methionine.
Molecular consequence: missense variant.
Genome position (GRCh38, 1-based): chrX:47,212,996, C>A. VCF-style: chrX-47212996-C-A. GRCh37 (hg19) VCF-style: chrX-47072395-C-A.
Other names: c.2653C>A, p.Leu885Met (NM_153280.3); short protein forms L885M.
Identifiers: ClinVar variation 933400 (VCV000933400.9), dbSNP rs782087876, ClinGen allele CA10396178.